The following is an entry in ClinVar:

NM_000834.5(GRIN2B):c.366C>A (p.Pro122=)

Gene: GRIN2B (glutamate ionotropic receptor NMDA type subunit 2B; minus strand). Cytogenetic location: 12p13.1.
Variant type: single nucleotide variant.
Coding change: c.366C>A on transcript NM_000834.5 (MANE Select); coding-DNA position 366, C replaced by A.
Protein change: p.Pro122=; no amino-acid change (proline 122 retained).
Molecular consequence: synonymous variant.
Genome position (GRCh38, 1-based): chr12:13,865,843, G>T on the plus strand (C>A on the coding strand, the complement: GRIN2B is on the minus strand). VCF-style: chr12-13865843-G-T. GRCh37 (hg19) VCF-style: chr12-14018777-G-T.
Identifiers: ClinVar variation 1213277 (VCV001213277.11), dbSNP rs7301328, ClinGen allele CA6461422.

ClinVar aggregate classification (germline): Likely benign. Review status: criteria provided, multiple submitters, no conflicts (2 of 4 stars). 2 submissions from 2 submitters: Likely benign (2). Last evaluated 2025-07-30.

Conditions:
Intellectual developmental disorder, autosomal dominant 6, with or without seizures. Also called: Intellectual disability, autosomal dominant 6; GRIN2B-related developmental delay, intellectual disability and autism spectrum disorder. Identifiers: Orphanet 589547, MedGen C3151411, MONDO:0013509, OMIM 613970.
Developmental and epileptic encephalopathy, 27 (DEE27). Also called: Epileptic encephalopathy, early infantile, 27; GRIN2B-Related Neurodevelopmental Disorder. Identifiers: Orphanet 3451, MedGen C4015316, MONDO:0014505, OMIM 616139.

Allele frequency attached by ClinVar (database versions not stated): 1000 Genomes Project 30x 0.00031.
gnomAD v4.1: 8 of 1,613,732 alleles (0.0005%); highest among the groups gnomAD compares: South Asian, 0.0077%; no homozygotes.

Submissions (2):

Labcorp Genetics (formerly Invitae), Labcorp
Classification: Likely benign for Developmental and epileptic encephalopathy, 27; Intellectual developmental disorder, autosomal dominant 6, with or without seizures. Last evaluated: 2025-07-30. Review status: criteria provided, single submitter. Criteria: Invitae Variant Classification Sherloc (09022015). Collection method: clinical testing. Allele origin: germline.

GeneDx
Classification: Likely benign. Last evaluated: 2018-10-30. Review status: criteria provided, single submitter. Criteria: GeneDx Variant Classification Process June 2021. Collection method: clinical testing. Allele origin: germline. Affected: yes.
Comment: This variant is associated with the following publications: (PMID: 23408766, 17224684, 19005876, 11317224, 29655037)